The following is an entry in ClinVar:

NM_001148.6(ANK2):c.6260T>C (p.Val2087Ala)

Genes: ANK2 (ankyrin 2; plus strand), LOC126807136 (MED14-independent group 3 enhancer GRCh37_chr4:114274931-114276130; plus strand). Cytogenetic location: 4q26.
Variant type: single nucleotide variant.
Coding change: c.6260T>C on transcript NM_001148.6 (MANE Select); coding-DNA position 6260, T replaced by C.
Protein change: p.Val2087Ala; replaces valine 2087 with alanine.
Molecular consequence: missense variant. On other transcripts: intron variant (68).
Genome position (GRCh38, 1-based): chr4:113,354,878, T>C. VCF-style: chr4-113354878-T-C. GRCh37 (hg19) VCF-style: chr4-114276034-T-C.
Other names: c.6026T>C, p.Val2009Ala (NM_001386142.1); c.2660T>C, p.Val887Ala (NM_001386166.1); c.6401T>C, p.Val2134Ala (NM_001386174.1); c.6377T>C, p.Val2126Ala (NM_001386175.1); c.4411+4629T>C (NM_001386186.2, NM_001386148.2); c.4213+4629T>C (NM_001354269.3); c.4291+4629T>C (NM_001386187.2); c.4252+4629T>C (NM_001386147.1); and 35 more; short protein forms V2126A, V887A, V2009A, V2087A, V2134A.
Identifiers: ClinVar variation 4730775 (VCV004730775.1).

ClinVar aggregate classification (germline): Uncertain significance (1 of 4 stars; one submission).

Conditions:
Long QT syndrome (LQTS). Identifiers: MedGen C0023976, MeSH D008133, MONDO:0002442. Disease mechanism: loss of function. Inheritance: Various modes of inheritance.

Submission:

Labcorp Genetics (formerly Invitae), Labcorp
Classification: Uncertain significance for Long QT syndrome. Last evaluated: 2025-11-09. Review status: criteria provided, single submitter. Criteria: Invitae Variant Classification Sherloc (09022015). Collection method: clinical testing. Allele origin: germline.
Comment: This sequence change replaces valine, which is neutral and non-polar, with alanine, which is neutral and non-polar, at codon 2087 of the ANK2 protein (p.Val2087Ala). This variant is not present in population databases (gnomAD no frequency). This variant has not been reported in the literature in individuals affected with ANK2-related conditions. An algorithm developed to predict the effect of missense changes on protein structure and function outputs the following: PolyPhen-2: "Benign". The alanine amino acid residue is found in multiple mammalian species, which suggests that this missense change does not adversely affect protein function. In summary, the available evidence is currently insufficient to determine the role of this variant in disease. Therefore, it has been classified as a Variant of Uncertain Significance.